The following is an entry in ClinVar:

NM_003283.6(TNNT1):c.610C>T (p.Arg204Trp)

Gene: TNNT1 (troponin T1, slow skeletal type; minus strand). Cytogenetic location: 19q13.42.
Variant type: single nucleotide variant.
Coding change: c.610C>T on transcript NM_003283.6 (MANE Select); coding-DNA position 610, C replaced by T.
Protein change: p.Arg204Trp; replaces arginine 204 with tryptophan.
Molecular consequence: missense variant.
Genome position (GRCh38, 1-based): chr19:55,137,104, G>A on the plus strand (C>T on the coding strand, the complement: TNNT1 is on the minus strand). VCF-style: chr19-55137104-G-A. GRCh37 (hg19) VCF-style: chr19-55648472-G-A.
Other names: c.610C>T, p.Arg204Trp (NM_001126132.3); c.577C>T, p.Arg193Trp (NM_001126133.3, NM_001291774.2); short protein forms R193W, R204W.
Identifiers: ClinVar variation 2069456 (VCV002069456.4), dbSNP rs139208059, ClinGen allele CA9667360.

ClinVar aggregate classification (germline): Uncertain significance (1 of 4 stars; one submission).

Conditions:
Nemaline myopathy 5 (NEM5A). Also called: NEMALINE MYOPATHY, AMISH TYPE; NEMALINE MYOPATHY 5A, AUTOSOMAL RECESSIVE, SEVERE INFANTILE; Nemaline myopathy 5, Amish type. Identifiers: Orphanet 98902, MedGen C1854380, MONDO:0011539, OMIM 605355.

Allele frequency attached by ClinVar (database versions not stated): gnomAD 0.00002; ESP Exome Variant Server 0.00008; TOPMed 0.00003.
gnomAD v4.1: 18 of 766,814 alleles (0.0023%); highest among the groups gnomAD compares: South Asian, 0.016%; no homozygotes.

Submission:

Labcorp Genetics (formerly Invitae), Labcorp
Classification: Uncertain significance for Nemaline myopathy 5. Last evaluated: 2024-02-26. Review status: criteria provided, single submitter. Criteria: Invitae Variant Classification Sherloc (09022015). Collection method: clinical testing. Allele origin: germline.
Comment: This sequence change replaces arginine, which is basic and polar, with tryptophan, which is neutral and slightly polar, at codon 204 of the TNNT1 protein (p.Arg204Trp). This variant is present in population databases (rs139208059, gnomAD 0.01%). This variant has not been reported in the literature in individuals affected with TNNT1-related conditions. ClinVar contains an entry for this variant (Variation ID: 2069456). An algorithm developed to predict the effect of missense changes on protein structure and function (PolyPhen-2) suggests that this variant is likely to be disruptive. In summary, the available evidence is currently insufficient to determine the role of this variant in disease. Therefore, it has been classified as a Variant of Uncertain Significance.